The following is an entry in ClinVar:

ClinVar aggregate classification (germline): Uncertain significance (1 of 4 stars; one submission).

Allele frequency attached by ClinVar (database versions not stated): ExAC 0.00007.
gnomAD v4.1: 17 of 1,523,894 alleles (0.0011%); highest among the groups gnomAD compares: East Asian, 0.0024%; no homozygotes.

Submission:

Labcorp Genetics (formerly Invitae), Labcorp
Classification: Uncertain significance. Last evaluated: 2022-03-18. Review status: criteria provided, single submitter. Criteria: Invitae Variant Classification Sherloc (09022015). Collection method: clinical testing. Allele origin: germline.
Comment: In summary, the available evidence is currently insufficient to determine the role of this variant in disease. Therefore, it has been classified as a Variant of Uncertain Significance. Algorithms developed to predict the effect of missense changes on protein structure and function output the following: SIFT: "Tolerated"; PolyPhen-2: "Benign"; Align-GVGD: "Class C0". The lysine amino acid residue is found in multiple mammalian species, which suggests that this missense change does not adversely affect protein function. This variant has not been reported in the literature in individuals affected with APC2-related conditions. The frequency data for this variant in the population databases is considered unreliable, as metrics indicate poor data quality at this position in the gnomAD database. This sequence change replaces glutamic acid, which is acidic and polar, with lysine, which is basic and polar, at codon 1107 of the APC2 protein (p.Glu1107Lys).

NM_005883.3(APC2):c.3319G>A (p.Glu1107Lys)

Gene: APC2 (APC regulator of Wnt signaling pathway 2; plus strand). Cytogenetic location: 19p13.3.
Variant type: single nucleotide variant.
Coding change: c.3319G>A on transcript NM_005883.3 (MANE Select); coding-DNA position 3319, G replaced by A.
Protein change: p.Glu1107Lys; replaces glutamic acid 1107 with lysine.
Molecular consequence: missense variant.
Genome position (GRCh38, 1-based): chr19:1,466,620, G>A. VCF-style: chr19-1466620-G-A. GRCh37 (hg19) VCF-style: chr19-1466619-G-A.
Other names: c.3316G>A, p.Glu1106Lys (NM_001351273.1); short protein forms E1106K, E1107K.
Identifiers: ClinVar variation 2416680 (VCV002416680.6), dbSNP rs755873166, ClinGen allele CA9045672.